The following is an entry in ClinVar:

NM_000268.4(NF2):c.1737+1G>T

Gene: NF2 (NF2, moesin-ezrin-radixin like (MERLIN) tumor suppressor; plus strand). Cytogenetic location: 22q12.2.
Variant type: single nucleotide variant.
Coding change: c.1737+1G>T on transcript NM_000268.4 (MANE Select); the canonical splice donor site of the intron after coding-DNA position 1737, G replaced by T.
Molecular consequence: splice donor variant. On other transcripts: intron variant (3).
Genome position (GRCh38, 1-based): chr22:29,681,602, G>T. VCF-style: chr22-29681602-G-T. GRCh37 (hg19) VCF-style: chr22-30077591-G-T.
Other names: c.1737+1G>T (NM_016418.5, NM_181832.3, NM_001407066.1 and 1 more transcripts); c.1623+1G>T (NM_001407056.1, NM_001407053.1); c.1506+1G>T (NM_001407067.1); c.1203+1G>T (NM_001407065.1); c.1574+3279G>T (NM_001407060.1); c.1602+1G>T (NM_001407059.1, NM_001407057.1); c.448-13150G>T (NM_181833.3); c.1614+1G>T (NM_001407058.1, NM_181829.3, NM_001407054.1); and 4 more.
Identifiers: ClinVar variation 457907 (VCV000457907.13), dbSNP rs1556003799, ClinGen allele CA411150555.

ClinVar aggregate classification (germline): Pathogenic. Review status: criteria provided, multiple submitters, no conflicts (2 of 4 stars). 2 submissions from 2 submitters: Pathogenic (2). Last evaluated 2023-11-08.

Conditions:
Hereditary cancer-predisposing syndrome. Also called: Neoplastic Syndromes, Hereditary; Tumor predisposition; Hereditary neoplastic syndrome; Hereditary Cancer Syndrome. Identifiers: Orphanet 140162, MedGen C0027672, MeSH D009386, MONDO:0015356.
Neurofibromatosis, type 2 (SWNV). Also called: BILATERAL ACOUSTIC NEUROFIBROMATOSIS; SCHWANNOMATOSIS, VESTIBULAR; NF2-Related Schwannomatosis. Identifiers: Orphanet 637, MedGen C0027832, MONDO:0007039, OMIM 101000. Disease mechanism: loss of function.

Submissions (2):

Labcorp Genetics (formerly Invitae), Labcorp
Classification: Pathogenic for Neurofibromatosis, type 2. Last evaluated: 2023-11-08. Review status: criteria provided, single submitter. Criteria: Invitae Variant Classification Sherloc (09022015). Collection method: clinical testing. Allele origin: germline.
Comment: This sequence change affects a donor splice site in intron 15 of the NF2 gene. While this variant is not anticipated to result in nonsense mediated decay, it likely alters RNA splicing and results in a disrupted protein product. This variant is not present in population databases (gnomAD no frequency). Disruption of this splice site has been observed in individuals with neurofibromatosis type 2 (PMID: 16983642). ClinVar contains an entry for this variant (Variation ID: 457907). Variants that disrupt the consensus splice site are a relatively common cause of aberrant splicing (PMID: 17576681, 9536098). Algorithms developed to predict the effect of sequence changes on RNA splicing suggest that this variant may disrupt the consensus splice site. For these reasons, this variant has been classified as Pathogenic.

Ambry Genetics
Classification: Pathogenic for Hereditary cancer-predisposing syndrome. Last evaluated: 2022-09-09. Review status: criteria provided, single submitter. Criteria: Ambry Variant Classification Scheme 2023. Collection method: clinical testing. Allele origin: germline.
Comment: The c.1737+1G>T intronic variant results from a G to T substitution one nucleotide after coding exon 15 of the NF2 gene. This alteration has been observed in at least one individual with a personal and family history that is consistent with NF2-related disease (Ambry internal data). Alterations that disrupt the canonical splice site are expected to cause aberrant splicing, resulting in an abnormal protein or a transcript that is subject to nonsense-mediated mRNA decay; however, direct evidence is insufficient at this time (Ambry internal data). Based on the supporting evidence, this alteration is interpreted as a disease-causing mutation.

Literature cited by the submitters: PubMed 16983642 (cited by Labcorp Genetics (formerly Invitae), Labcorp); PubMed 17576681 (cited by Labcorp Genetics (formerly Invitae), Labcorp); PubMed 9536098 (cited by Labcorp Genetics (formerly Invitae), Labcorp).